The following is an entry in ClinVar:

ClinVar aggregate classification (germline): Uncertain significance (1 of 4 stars; one submission).

Allele frequency attached by ClinVar (database versions not stated): gnomAD 0.00002 and 0.00003; TOPMed 0.00002; gnomAD exomes 0.00004; ExAC 0.00007; ESP Exome Variant Server 0.00008; 1000 Genomes Project 0.00040; 1000 Genomes Project 30x 0.00047.

Submission:

Labcorp Genetics (formerly Invitae), Labcorp
Classification: Uncertain significance. Last evaluated: 2024-12-16. Review status: criteria provided, single submitter. Criteria: Invitae Variant Classification Sherloc (09022015). Collection method: clinical testing. Allele origin: germline.
Comment: This sequence change affects codon 113 of the COL9A2 mRNA. It is a 'silent' change, meaning that it does not change the encoded amino acid sequence of the COL9A2 protein. This variant also falls at the last nucleotide of exon 6, which is part of the consensus splice site for this exon. This variant is present in population databases (rs201859264, gnomAD 0.02%). This variant has not been reported in the literature in individuals affected with COL9A2-related conditions. ClinVar contains an entry for this variant (Variation ID: 1509580). Variants that disrupt the consensus splice site are a relatively common cause of aberrant splicing (PMID: 17576681, 9536098). Algorithms developed to predict the effect of sequence changes on RNA splicing suggest that this variant is not likely to affect RNA splicing. In summary, the available evidence is currently insufficient to determine the role of this variant in disease. Therefore, it has been classified as a Variant of Uncertain Significance.

Literature cited by the submitters: PubMed 17576681; PubMed 9536098.

NM_001852.4(COL9A2):c.339G>A (p.Pro113=)

Genes: COL9A2 (collagen type IX alpha 2 chain; minus strand), LOC129930257 (ATAC-STARR-seq lymphoblastoid active region 840; plus strand). Cytogenetic location: 1p34.2.
Variant type: single nucleotide variant.
Coding change: c.339G>A on transcript NM_001852.4 (MANE Select); coding-DNA position 339, G replaced by A.
Protein change: p.Pro113=; no amino-acid change (proline 113 retained).
Molecular consequence: synonymous variant.
Genome position (GRCh38, 1-based): chr1:40,312,574, C>T on the plus strand (G>A on the coding strand, the complement: COL9A2 is on the minus strand). VCF-style: chr1-40312574-C-T. GRCh37 (hg19) VCF-style: chr1-40778246-C-T.
Identifiers: ClinVar variation 1509580 (VCV001509580.6), dbSNP rs201859264, ClinGen allele CA792008.